The following is an entry in ClinVar:

NM_000138.5(FBN1):c.6704G>A (p.Gly2235Glu)

Gene: FBN1 (fibrillin 1; minus strand). Cytogenetic location: 15q21.1.
Variant type: single nucleotide variant.
Coding change: c.6704G>A on transcript NM_000138.5 (MANE Select); coding-DNA position 6704, G replaced by A.
Protein change: p.Gly2235Glu; replaces glycine 2235 with glutamic acid.
Molecular consequence: missense variant.
Genome position (GRCh38, 1-based): chr15:48,432,901, C>T on the plus strand (G>A on the coding strand, the complement: FBN1 is on the minus strand). VCF-style: chr15-48432901-C-T. GRCh37 (hg19) VCF-style: chr15-48725098-C-T.
Other names: c.6704G>A, p.Gly2235Glu (NM_001406716.1); short protein forms G2235E.
Identifiers: ClinVar variation 3074645 (VCV003074645.2), dbSNP rs2505424862, ClinGen allele CA392333341.

ClinVar aggregate classification (germline): Uncertain significance. Review status: criteria provided, multiple submitters, no conflicts (2 of 4 stars). 2 submissions from 2 submitters: Uncertain significance (2). Last evaluated 2023-11-20.

Conditions:
Marfan syndrome (MFS). Also called: MARFAN SYNDROME, TYPE I; Marfan syndrome type 1; Marfan's syndrome; Marfan syndrome, classic; FBN1-Related Marfan Syndrome. Identifiers: Orphanet 284963, Orphanet 558, MedGen C0024796, MONDO:0007947, OMIM 154700.

Submissions (2):

All of Us Research Program, National Institutes of Health
Classification: Uncertain significance for Marfan syndrome. Last evaluated: 2023-11-20. Review status: criteria provided, single submitter. Criteria: ACMG Guidelines, 2015. Collection method: clinical testing. Allele origin: germline. Inheritance: Autosomal dominant inheritance. Observed: 1 variant allele, 1 heterozygote.
Comment: This missense variant replaces glycine with glutamic acid at codon 2235 of the FBN1 protein. Computational prediction suggests that this variant may have deleterious impact on protein structure and function (internally defined REVEL score threshold >= 0.7, PMID: 27666373). To our knowledge, functional studies have not been reported for this variant. This variant has not been reported in individuals affected with FBN1-related disorders in the literature. This variant has not been identified in the general population by the Genome Aggregation Database (gnomAD). The available evidence is insufficient to determine the role of this variant in disease conclusively. Therefore, this variant is classified as a Variant of Uncertain Significance.

This study involves interpretation of variants in research participants for the purpose of population health screening. Participant phenotype was not available at the time of variant classification. Additional details can be found in publication PMID: 35346344, PMCID: PMC8962531

GeneDx
Classification: Uncertain significance. Last evaluated: 2023-05-26. Review status: criteria provided, single submitter. Criteria: GeneDx Variant Classification Process June 2021. Collection method: clinical testing. Allele origin: germline. Affected: yes.
Comment: Not observed at significant frequency in large population cohorts (gnomAD); In silico analysis supports that this missense variant has a deleterious effect on protein structure/function; Has not been previously published as pathogenic or benign to our knowledge